The following is an entry in ClinVar:

NM_015355.4(SUZ12):c.275-1072del

Gene: SUZ12 (SUZ12 polycomb repressive complex 2 subunit; plus strand). Cytogenetic location: 17q11.2.
Variant type: Deletion.
Coding change: c.275-1072del on transcript NM_015355.4 (MANE Select); 1072 bases into the intron before coding-DNA position 275, one base deleted (T; older notation c.275-1072delT).
Molecular consequence: intron variant.
Genome position (GRCh38, 1-based): chr17:31,939,214, T deleted. VCF-style (leftmost placement, unchanged base first): chr17-31939213-AT-A. GRCh37 (hg19) VCF-style: chr17-30266232-AT-A.
Other names: c.275-1072del (NM_001321207.2).
Identifiers: ClinVar variation 1694840 (VCV001694840.31), dbSNP rs573015718, ClinGen allele CA289422289.
Genomic context (GRCh38, chr17:31,939,213, plus strand): 5'-TGTGTAAAAAATGTATTGAGGTAATATTTATATTGAACAAAATAGATACAACTTTAAATT[AT>A]AATTAGGAATATTTATTGAGAATTTTTGCTGCAGTTTGTGTCCGAGATTCATTTCAATAT-3'

ClinVar aggregate classification (germline): Likely benign (1 of 4 stars; one submission).

Allele frequency attached by ClinVar (database versions not stated): TOPMed 0.00165; 1000 Genomes Project 0.00180; 1000 Genomes Project 30x 0.00234; gnomAD 0.00122 and 0.00144.

Submission:

CeGaT Center for Human Genetics Tuebingen
Classification: Likely benign. Last evaluated: 2026-08-01. Review status: criteria provided, single submitter. Criteria: CeGaT Center For Human Genetics Tuebingen Variant Classification Criteria Version 2. Collection method: clinical testing. Allele origin: germline. Affected: yes. Observed: 10 variant alleles.
Comment: SUZ12: BS1